The following is an entry in ClinVar:

NM_021008.4(DEAF1):c.1621G>A (p.Gly541Ser)

Gene: DEAF1 (DEAF1 transcription factor; minus strand). Cytogenetic location: 11p15.5.
Variant type: single nucleotide variant.
Coding change: c.1621G>A on transcript NM_021008.4 (MANE Select); coding-DNA position 1621, G replaced by A.
Protein change: p.Gly541Ser; replaces glycine 541 with serine.
Molecular consequence: missense variant.
Genome position (GRCh38, 1-based): chr11:644,627, C>T on the plus strand (G>A on the coding strand, the complement: DEAF1 is on the minus strand). VCF-style: chr11-644627-C-T. GRCh37 (hg19) VCF-style: chr11-644627-C-T.
Other names: c.1396G>A, p.Gly466Ser (NM_001293634.2); c.895G>A, p.Gly299Ser (NM_001367390.1); short protein forms G541S, G299S, G466S.
Identifiers: ClinVar variation 585775 (VCV000585775.4), dbSNP rs771661969, ClinGen allele CA5786104.

ClinVar aggregate classification (germline): Uncertain significance. Review status: criteria provided, multiple submitters, no conflicts (2 of 4 stars). 3 submissions from 3 submitters: Uncertain significance (3). Last evaluated 2025-11-15.

Conditions:
Intellectual disability-epilepsy-extrapyramidal syndrome (NEDHELS). Also called: Dyskinesia, seizures, and intellectual developmental disorder. Identifiers: Orphanet 468620, MedGen C4310683, MONDO:0014952, OMIM 617171.
Intellectual disability, autosomal dominant 24 (VSVS). Also called: VULTO-VAN SILFHOUT-DE VRIES SYNDROME. Identifiers: MedGen C4014414, MONDO:0014357, OMIM 615828.

Allele frequency attached by ClinVar (database versions not stated): ExAC 0.00002; gnomAD exomes 0.00001; TOPMed 0.00001.
gnomAD v4.1: 9 of 1,612,294 alleles (0.00056%); highest among the groups gnomAD compares: South Asian, 0.0011%; no homozygotes.

Submissions (3):

Labcorp Genetics (formerly Invitae), Labcorp
Classification: Uncertain significance. Last evaluated: 2025-11-15. Review status: criteria provided, single submitter. Criteria: Invitae Variant Classification Sherloc (09022015). Collection method: clinical testing. Allele origin: germline.
Comment: This sequence change replaces glycine, which is neutral and non-polar, with serine, which is neutral and polar, at codon 541 of the DEAF1 protein (p.Gly541Ser). The frequency data for this variant in the population databases is considered unreliable, as metrics indicate poor data quality at this position in the gnomAD database. This missense change has been observed in individual(s) with DEAF1-related conditions (PMID: 5982159, 33057194). ClinVar contains an entry for this variant (Variation ID: 585775). Invitae Evidence Modeling of protein sequence and biophysical properties (such as structural, functional, and spatial information, amino acid conservation, physicochemical variation, residue mobility, and thermodynamic stability) indicates that this missense variant is not expected to disrupt DEAF1 protein function with a negative predictive value of 95%. In summary, the available evidence is currently insufficient to determine the role of this variant in disease. Therefore, it has been classified as a Variant of Uncertain Significance.

Fulgent Genetics
Classification: Uncertain significance for Intellectual disability, autosomal dominant 24; Intellectual disability-epilepsy-extrapyramidal syndrome. Last evaluated: 2018-10-31. Review status: criteria provided, single submitter. Criteria: ACMG Guidelines, 2015. Collection method: clinical testing. Allele origin: unknown.

Athena Diagnostics
Classification: Uncertain significance. Last evaluated: 2018-04-23. Review status: criteria provided, single submitter. Criteria: Athena Diagnostics Criteria. Collection method: clinical testing. Allele origin: germline.

Literature cited by the submitters: PubMed 5982159 (cited by Labcorp Genetics (formerly Invitae), Labcorp); PubMed 33057194 (cited by Labcorp Genetics (formerly Invitae), Labcorp).